The following is an entry in ClinVar:

ClinVar aggregate classification (germline): Likely pathogenic (1 of 4 stars; one submission).

Conditions:
Heterotaxy, visceral, 8, autosomal (HTX8). Identifiers: MONDO:0014967, OMIM 617205, MedGen C4310668.

Submission:

Juno Genomics, Hangzhou Juno Genomics, Inc
Classification: Likely pathogenic for Heterotaxy, visceral, 8, autosomal. Review status: criteria provided, single submitter. Criteria: ACMG Guidelines, 2015. Collection method: clinical testing. Allele origin: germline.
Comment: Null variant in a gene where loss of function (LOF) is a known mechanism of disease.;Absent from controls (or at extremely low frequency if recessive) in Genome Aggregation Database.

NM_138295.5(PKD1L1):c.1394del (p.Asn465fs)

Gene: PKD1L1 (polycystin 1 like 1, transient receptor potential channel interacting; minus strand). Cytogenetic location: 7p12.3.
Variant type: Deletion.
Coding change: c.1394del on transcript NM_138295.5 (MANE Select); coding-DNA position 1394, one base deleted (A; older notation c.1394delA).
Protein change: p.Asn465fs; shifts the reading frame from asparagine 465.
Molecular consequence: frameshift variant.
Genome position (GRCh38, 1-based): chr7:47,908,085, T deleted on the plus strand (A on the coding strand, the reverse complement: PKD1L1 is on the minus strand); the first of 2 consecutive T bases (chr7:47,908,085-47,908,086); deleting either gives the same sequence. VCF-style (leftmost placement, unchanged base first): chr7-47908084-AT-A. GRCh37 (hg19) VCF-style: chr7-47947681-AT-A.
Other names: short protein forms N465fs.
Identifiers: ClinVar variation 5007220 (VCV005007220.2).